The following is an entry in ClinVar:

NM_005585.5(SMAD6):c.1022C>A (p.Thr341Lys)

Gene: SMAD6 (SMAD family member 6; plus strand). Cytogenetic location: 15q22.31.
Variant type: single nucleotide variant.
Coding change: c.1022C>A on transcript NM_005585.5 (MANE Select); coding-DNA position 1022, C replaced by A.
Protein change: p.Thr341Lys; replaces threonine 341 with lysine.
Molecular consequence: missense variant. On other transcripts: non-coding transcript variant (1).
Genome position (GRCh38, 1-based): chr15:66,781,066, C>A. VCF-style: chr15-66781066-C-A. GRCh37 (hg19) VCF-style: chr15-67073404-C-A.
Other names: short protein forms T341K.
Identifiers: ClinVar variation 4170068 (VCV004170068.1).

ClinVar aggregate classification (germline): Uncertain significance (1 of 4 stars; one submission).

Conditions:
Inborn genetic diseases. Identifiers: MedGen C0950123, MeSH D030342.

Submission:

Ambry Genetics
Classification: Uncertain significance for Inborn genetic diseases. Last evaluated: 2025-07-12. Review status: criteria provided, single submitter. Criteria: Ambry Variant Classification Scheme 2023. Collection method: clinical testing. Allele origin: germline.
Comment: The p.T341K variant (also known as c.1022C>A), located in coding exon 4 of the SMAD6 gene, results from a C to A substitution at nucleotide position 1022. The threonine at codon 341 is replaced by lysine, an amino acid with similar properties. This amino acid position is conserved. In addition, this alteration is predicted to be deleterious by in silico analysis. Based on the available evidence, the clinical significance of this variant remains unclear.